The following is an entry in ClinVar:

NM_000153.4(GALC):c.522T>G (p.Tyr174Ter)

Gene: GALC (galactosylceramidase; minus strand). Cytogenetic location: 14q31.3.
Variant type: single nucleotide variant.
Coding change: c.522T>G on transcript NM_000153.4 (MANE Select); coding-DNA position 522, T replaced by G.
Protein change: p.Tyr174Ter; replaces tyrosine 174 with a stop codon.
Molecular consequence: nonsense. On other transcripts: 5 prime UTR variant (2), non-coding transcript variant (1).
Genome position (GRCh38, 1-based): chr14:87,984,454, A>C on the plus strand (T>G on the coding strand, the complement: GALC is on the minus strand). VCF-style: chr14-87984454-A-C. GRCh37 (hg19) VCF-style: chr14-88450798-A-C.
Other names: c.453T>G, p.Tyr151Ter (NM_001201401.2); c.444T>G, p.Tyr148Ter (NM_001201402.2); c.354T>G, p.Tyr118Ter (NM_001424071.1, NM_001424072.1, NM_001424073.1); c.174T>G, p.Tyr58Ter (NM_001424074.1, NM_001424075.1); c.-146T>G (NM_001424076.1, NM_001424077.1); short protein forms Y58*, Y151*, Y118*, Y148*, Y174*.
Identifiers: ClinVar variation 4764154 (VCV004764154.1).

ClinVar aggregate classification (germline): Pathogenic (1 of 4 stars; one submission).

Conditions:
Galactosylceramide beta-galactosidase deficiency. Also called: Krabbe Disease; GALACTOCEREBROSIDASE DEFICIENCY; GALC DEFICIENCY; GLOBOID CELL LEUKOENCEPHALOPATHY; Leukodystrophy, Globoid Cell. Identifiers: Orphanet 487, MedGen C0023521, MONDO:0009499, OMIM 245200.

Submission:

Labcorp Genetics (formerly Invitae), Labcorp
Classification: Pathogenic for Galactosylceramide beta-galactosidase deficiency. Last evaluated: 2026-01-12. Review status: criteria provided, single submitter. Criteria: Invitae Variant Classification Sherloc (09022015). Collection method: clinical testing. Allele origin: germline.
Comment: This sequence change creates a premature translational stop signal (p.Tyr174*) in the GALC gene. It is expected to result in an absent or disrupted protein product. Loss-of-function variants in GALC are known to be pathogenic (PMID: 7437911, 9272171, 16607461). This variant is not present in population databases (gnomAD no frequency). This variant has not been reported in the literature in individuals affected with GALC-related conditions. Algorithms developed to predict the effect of sequence changes on RNA splicing suggest that this variant may disrupt the consensus splice site. For these reasons, this variant has been classified as Pathogenic.

Literature cited by the submitters: PubMed 7437911; PubMed 9272171; PubMed 16607461.